The following is an entry in ClinVar:

NM_020988.3(GNAO1):c.320T>C (p.Val107Ala)

Gene: GNAO1 (G protein subunit alpha o1; plus strand). Cytogenetic location: 16q13.
Variant type: single nucleotide variant.
Coding change: c.320T>C on transcript NM_020988.3 (MANE Select); coding-DNA position 320, T replaced by C.
Protein change: p.Val107Ala; replaces valine 107 with alanine.
Molecular consequence: missense variant.
Genome position (GRCh38, 1-based): chr16:56,328,647, T>C. VCF-style: chr16-56328647-T-C. GRCh37 (hg19) VCF-style: chr16-56362559-T-C.
Other names: c.320T>C (NM_020988.2); c.320T>C, p.Val107Ala (NM_138736.3); short protein forms V107A.
Identifiers: ClinVar variation 3682467 (VCV003682467.3).

ClinVar aggregate classification (germline): Uncertain significance. Review status: criteria provided, multiple submitters, no conflicts (2 of 4 stars). 2 submissions from 2 submitters: Uncertain significance (2). Last evaluated 2024-11-11.

Conditions:
Early-infantile DEE. Also called: Ohtahara syndrome; Early infantile epileptic encephalopathy with suppression bursts; Early infantile epileptic encephalopathy. Identifiers: Orphanet 1934, MedGen C0393706, MONDO:0800491.

gnomAD v4.1: 1 of 1,613,898 alleles (0.000062%); highest among the groups gnomAD compares: Non-Finnish European, 0.000085%; no homozygotes.

Submissions (2):

Labcorp Genetics (formerly Invitae), Labcorp
Classification: Uncertain significance for Early-infantile DEE. Last evaluated: 2024-11-11. Review status: criteria provided, single submitter. Criteria: Invitae Variant Classification Sherloc (09022015). Collection method: clinical testing. Allele origin: germline.
Comment: This sequence change replaces valine, which is neutral and non-polar, with alanine, which is neutral and non-polar, at codon 107 of the GNAO1 protein (p.Val107Ala). This variant is not present in population databases (gnomAD no frequency). This variant has not been reported in the literature in individuals affected with GNAO1-related conditions. Invitae Evidence Modeling of protein sequence and biophysical properties (such as structural, functional, and spatial information, amino acid conservation, physicochemical variation, residue mobility, and thermodynamic stability) has been performed for this missense variant. However, the output from this modeling did not meet the statistical confidence thresholds required to predict the impact of this variant on GNAO1 protein function. In summary, the available evidence is currently insufficient to determine the role of this variant in disease. Therefore, it has been classified as a Variant of Uncertain Significance.

GeneDx
Classification: Uncertain significance. Last evaluated: 2024-10-08. Review status: criteria provided, single submitter. Criteria: GeneDx Variant Classification Process June 2021. Collection method: clinical testing. Allele origin: germline. Affected: yes.
Comment: In silico analysis supports that this missense variant has a deleterious effect on protein structure/function; Has not been previously published as pathogenic or benign to our knowledge